The following is an entry in ClinVar:

ClinVar aggregate classification (germline): Uncertain significance. Review status: criteria provided, multiple submitters, no conflicts (2 of 4 stars). 2 submissions from 2 submitters: Uncertain significance (2). Last evaluated 2023-07-19.

Allele frequency attached by ClinVar (database versions not stated): gnomAD exomes below 0.00001; gnomAD 0.00001; TOPMed 0.00002.
gnomAD v4.1: 3 of 1,611,476 alleles (0.00019%); highest among the groups gnomAD compares: Non-Finnish European, 0.00025%; no homozygotes.

Submissions (2):

Labcorp Genetics (formerly Invitae), Labcorp
Classification: Uncertain significance. Last evaluated: 2023-07-19. Review status: criteria provided, single submitter. Criteria: Invitae Variant Classification Sherloc (09022015). Collection method: clinical testing. Allele origin: germline.
Comment: This variant is not present in population databases (gnomAD no frequency). This sequence change replaces serine, which is neutral and polar, with arginine, which is basic and polar, at codon 177 of the OPA1 protein (p.Ser177Arg). This variant has not been reported in the literature in individuals affected with OPA1-related conditions. In summary, the available evidence is currently insufficient to determine the role of this variant in disease. Therefore, it has been classified as a Variant of Uncertain Significance. Advanced modeling of protein sequence and biophysical properties (such as structural, functional, and spatial information, amino acid conservation, physicochemical variation, residue mobility, and thermodynamic stability) performed at Invitae indicates that this missense variant is not expected to disrupt OPA1 protein function. ClinVar contains an entry for this variant (Variation ID: 167398).

Eurofins Ntd Llc (ga)
Classification: Uncertain significance. Last evaluated: 2014-02-15. Review status: criteria provided, single submitter. Criteria: EGL Classification Definitions 2015. Collection method: clinical testing. Allele origin: germline. Observed: 1 variant allele, 1 heterozygote.

NM_130837.3(OPA1):c.531C>A (p.Ser177Arg)

Gene: OPA1 (OPA1 mitochondrial dynamin like GTPase; plus strand). Cytogenetic location: 3q29.
Variant type: single nucleotide variant.
Coding change: c.531C>A on transcript NM_130837.3 (MANE Select); coding-DNA position 531, C replaced by A.
Protein change: p.Ser177Arg; replaces serine 177 with arginine.
Molecular consequence: missense variant. On other transcripts: intron variant (5).
Genome position (GRCh38, 1-based): chr3:193,617,260, C>A. VCF-style: chr3-193617260-C-A. GRCh37 (hg19) VCF-style: chr3-193335049-C-A.
Other names: c.159C>A, p.Ser53Arg (NM_001354664.2); c.531C>A, p.Ser177Arg (NM_015560.3, NM_130834.3, NM_130836.3); c.76+1490C>A (NM_001354663.2); c.449-524C>A (NM_130835.3, NM_130832.3); c.448+1490C>A (NM_130833.3, NM_130831.3); short protein forms S177R, S53R.
Identifiers: ClinVar variation 167398 (VCV000167398.10), dbSNP rs727504057, ClinGen allele CA234449.
Genomic context (GRCh38, chr3:193,617,260, plus strand): 5'-TAGTTCAGAAGACCTTGTAAAGTTAGCACCAGACTTTGACAAGATTGTTGAAAGCCTTAG[C>A]TTATTGAAGGACTTTTTTACCTCAGGTAAGGAAGAAGCTGTTTGATCTAATTTAAAAATT-3'
Protein context (NP_570850.2, residues 167-187): PDFDKIVESL[Ser177Arg]LLKDFFTSGH